The following is an entry in ClinVar:

NM_001161352.2(KCNMA1):c.2979C>T (p.Ile993=)

Genes: KCNMA1 (potassium calcium-activated channel subfamily M alpha 1; minus strand), KCNMA1-AS1 (KCNMA1 antisense RNA 1; plus strand). Cytogenetic location: 10q22.3.
Variant type: single nucleotide variant.
Coding change: c.2979C>T on transcript NM_001161352.2 (MANE Select); coding-DNA position 2979, C replaced by T.
Protein change: p.Ile993=; no amino-acid change (isoleucine 993 retained).
Molecular consequence: synonymous variant.
Genome position (GRCh38, 1-based): chr10:76,914,973, G>A on the plus strand (C>T on the coding strand, the complement: KCNMA1 is on the minus strand). VCF-style: chr10-76914973-G-A. GRCh37 (hg19) VCF-style: chr10-78674731-G-A.
Other names: c.2817C>T, p.Ile939= (NM_001014797.3, NM_001322835.2, NM_001322837.2); c.2928C>T, p.Ile976= (NM_001161353.2); c.2655C>T, p.Ile885= (NM_001271518.2); c.2814C>T, p.Ile938= (NM_001271519.2, NM_001322829.2, NM_001322836.2); c.2826C>T, p.Ile942= (NM_001322830.2); c.2805C>T, p.Ile935= (NM_001322832.2, NM_001410940.1, NM_002247.4); c.2352C>T, p.Ile784= (NM_001322838.2).
Identifiers: ClinVar variation 3067707 (VCV003067707.21), dbSNP rs145564330, ClinGen allele CA210079390.

ClinVar aggregate classification (germline): Uncertain significance (1 of 4 stars; one submission).

Allele frequency attached by ClinVar (database versions not stated): TOPMed below 0.00001; gnomAD 0.00001; ESP Exome Variant Server 0.00008.
gnomAD v4.1: 1 of 1,613,524 alleles (0.000062%); highest among the groups gnomAD compares: African/African-American, 0.0013%; no homozygotes.

Submission:

CeGaT Center for Human Genetics Tuebingen
Classification: Uncertain significance. Last evaluated: 2024-03-01. Review status: criteria provided, single submitter. Criteria: CeGaT Center For Human Genetics Tuebingen Variant Classification Criteria Version 2. Collection method: clinical testing. Allele origin: germline. Affected: yes. Observed: 1 variant allele.
Comment: KCNMA1: PM2:Supporting, BP4